The following is an entry in ClinVar:

NM_015192.4(PLCB1):c.2405C>T (p.Thr802Ile)

Gene: PLCB1 (phospholipase C beta 1; plus strand). Cytogenetic location: 20p12.3.
Variant type: single nucleotide variant.
Coding change: c.2405C>T on transcript NM_015192.4 (MANE Select); coding-DNA position 2405, C replaced by T.
Protein change: p.Thr802Ile; replaces threonine 802 with isoleucine.
Molecular consequence: missense variant.
Genome position (GRCh38, 1-based): chr20:8,740,440, C>T. VCF-style: chr20-8740440-C-T. GRCh37 (hg19) VCF-style: chr20-8721087-C-T.
Other names: c.2405C>T, p.Thr802Ile (NM_182734.3); short protein forms T802I.
Identifiers: ClinVar variation 436322 (VCV000436322.14), dbSNP rs377053037, ClinGen allele CA311264334.

ClinVar aggregate classification (germline): Uncertain significance. Review status: criteria provided, multiple submitters, no conflicts (2 of 4 stars). 2 submissions from 2 submitters: Uncertain significance (2). Last evaluated 2024-10-15.

Conditions:
Developmental and epileptic encephalopathy, 12 (DEE12). Identifiers: MedGen C3150988, MONDO:0013389, OMIM 613722.

Allele frequency attached by ClinVar (database versions not stated): gnomAD 0.00001; gnomAD exomes 0.00001; TOPMed 0.00001; ESP Exome Variant Server 0.00008.
gnomAD v4.1: 9 of 1,558,152 alleles (0.00058%); highest among the groups gnomAD compares: Non-Finnish European, 0.00078%; no homozygotes.

Submissions (2):

Labcorp Genetics (formerly Invitae), Labcorp
Classification: Uncertain significance for Developmental and epileptic encephalopathy, 12. Last evaluated: 2024-10-15. Review status: criteria provided, single submitter. Criteria: Invitae Variant Classification Sherloc (09022015). Collection method: clinical testing. Allele origin: germline.
Comment: This sequence change replaces threonine, which is neutral and polar, with isoleucine, which is neutral and non-polar, at codon 802 of the PLCB1 protein (p.Thr802Ile). This variant is present in population databases (rs377053037, gnomAD 0.002%). This variant has not been reported in the literature in individuals affected with PLCB1-related conditions. ClinVar contains an entry for this variant (Variation ID: 436322). Invitae Evidence Modeling of protein sequence and biophysical properties (such as structural, functional, and spatial information, amino acid conservation, physicochemical variation, residue mobility, and thermodynamic stability) indicates that this missense variant is expected to disrupt PLCB1 protein function with a positive predictive value of 80%. In summary, the available evidence is currently insufficient to determine the role of this variant in disease. Therefore, it has been classified as a Variant of Uncertain Significance.

Genetic Services Laboratory, University of Chicago
Classification: Uncertain significance. Last evaluated: 2016-07-20. Review status: criteria provided, single submitter. Criteria: ACMG Guidelines, 2015. Collection method: clinical testing. Allele origin: germline. Affected: no.